The following is an entry in ClinVar:

NM_001099922.3(ALG13):c.337G>A (p.Ala113Thr)

Gene: ALG13 (ALG13 UDP-N-acetylglucosaminyltransferase subunit; plus strand). Cytogenetic location: Xq23.
Variant type: single nucleotide variant.
Coding change: c.337G>A on transcript NM_001099922.3 (MANE Select); coding-DNA position 337, G replaced by A.
Protein change: p.Ala113Thr; replaces alanine 113 with threonine.
Molecular consequence: missense variant. On other transcripts: non-coding transcript variant (3).
Genome position (GRCh38, 1-based): chrX:111,685,057, G>A. VCF-style: chrX-111685057-G-A. GRCh37 (hg19) VCF-style: chrX-110928285-G-A.
Other names: c.278G>A, p.Gly93Asp (NM_001039210.5); c.337G>A, p.Ala113Thr (NM_001168385.3, NM_001324292.2, NM_018466.6); c.25G>A, p.Ala9Thr (NM_001257230.2, NM_001257234.2, NM_001257235.3 and 6 more transcripts); c.103G>A, p.Ala35Thr (NM_001257231.2, NM_001257241.3); c.343G>A, p.Ala115Thr (NM_001324290.2); short protein forms A113T, A115T, A35T, A9T, G93D.
Identifiers: ClinVar variation 383826 (VCV000383826.2), dbSNP rs1057521748, ClinGen allele CA16609114.

ClinVar aggregate classification (germline): Uncertain significance (1 of 4 stars; one submission).

Submission:

GeneDx
Classification: Uncertain significance. Last evaluated: 2016-02-24. Review status: criteria provided, single submitter. Criteria: GeneDx Variant Classification (06012015). Collection method: clinical testing. Allele origin: germline. Affected: yes.
Comment: A variant of uncertain significance has been identified in the ALG13 gene. The A113T variant has not been published as a pathogenic variant, nor has it been reported as a benign variant to our knowledge. It was not observed in approximately 6,500 individuals of European and African American ancestry in the NHLBI Exome Sequencing Project, indicating it is not a common benign variant in these populations. The A113T variant is a non-conservative amino acid substitution, which is likely to impact secondary protein structure as these residues differ in polarity, charge, size and/or other properties. This substitution occurs at a position that is conserved across species. In silico analysis is inconsistent in its predictions as to whether or not the variant is damaging to the protein structure/function. Based on the currently available information, it is unclear whether this variant is a pathogenic variant or a rare benign variant.